The following is an entry in ClinVar:

ClinVar aggregate classification (germline): Pathogenic (1 of 4 stars; one submission).

Submission:

CeGaT Center for Human Genetics Tuebingen
Classification: Pathogenic. Last evaluated: 2026-02-01. Review status: criteria provided, single submitter. Criteria: CeGaT Center For Human Genetics Tuebingen Variant Classification Criteria Version 2. Collection method: clinical testing. Allele origin: germline. Affected: yes. Observed: 1 variant allele.
Comment: COL7A1: PVS1, PM2

NM_000094.4(COL7A1):c.3614del (p.Pro1205fs)

Gene: COL7A1 (collagen type VII alpha 1 chain; minus strand). Cytogenetic location: 3p21.31.
Variant type: Deletion.
Coding change: c.3614del on transcript NM_000094.4 (MANE Select); coding-DNA position 3614, one base deleted (C; older notation c.3614delC).
Protein change: p.Pro1205fs; shifts the reading frame from proline 1205.
Molecular consequence: frameshift variant.
Genome position (GRCh38, 1-based): chr3:48,586,183, G deleted on the plus strand (C on the coding strand, the reverse complement: COL7A1 is on the minus strand); the first of 2 consecutive G bases (chr3:48,586,183-48,586,184); deleting either gives the same sequence. VCF-style (leftmost placement, unchanged base first): chr3-48586182-CG-C. GRCh37 (hg19) VCF-style: chr3-48623615-CG-C.
Other names: short protein forms P1205fs.
Identifiers: ClinVar variation 4823287 (VCV004823287.4).
Genomic context (GRCh38, chr3:48,586,182, plus strand): 5'-TGCCTGGTCCAGGCTTGGCCCATCATCCACGGCGAAGAAGGTCTGGACAGAGTCCATACC[CG>C]GCGCCAAGCGACGCAGCTGCTCTGGGTCCGCTCCAGCCATTCCCAACATCACCACATTAA-3'